The following is an entry in ClinVar:

NM_014679.5(CEP57):c.1250A>T (p.Lys417Ile)

Gene: CEP57 (centrosomal protein 57; plus strand). Cytogenetic location: 11q21.
Variant type: single nucleotide variant.
Coding change: c.1250A>T on transcript NM_014679.5 (MANE Select); coding-DNA position 1250, A replaced by T.
Protein change: p.Lys417Ile; replaces lysine 417 with isoleucine.
Molecular consequence: missense variant.
Genome position (GRCh38, 1-based): chr11:95,829,309, A>T. VCF-style: chr11-95829309-A-T. GRCh37 (hg19) VCF-style: chr11-95562473-A-T.
Other names: c.1223A>T, p.Lys408Ile (NM_001243776.2); c.1172A>T, p.Lys391Ile (NM_001243777.2); c.1169A>T, p.Lys390Ile (NM_001363604.2, NM_001440869.1, NM_001440870.1); c.1142A>T, p.Lys381Ile (NM_001440871.1); c.1133A>T, p.Lys378Ile (NM_001440872.1); c.1070A>T, p.Lys357Ile (NM_001440873.1); c.1064A>T, p.Lys355Ile (NM_001440874.1); c.1061A>T, p.Lys354Ile (NM_001440875.1); and 6 more; short protein forms K318I, K351I, K354I, K355I, K381I, K390I, K330I, K391I.
Identifiers: ClinVar variation 4613603 (VCV004613603.1).

ClinVar aggregate classification (germline): Uncertain significance (1 of 4 stars; one submission).

Conditions:
Inborn genetic diseases. Identifiers: MedGen C0950123, MeSH D030342.

Submission:

Ambry Genetics
Classification: Uncertain significance for Inborn genetic diseases. Last evaluated: 2025-11-03. Review status: criteria provided, single submitter. Criteria: Ambry Variant Classification Scheme 2023. Collection method: clinical testing. Allele origin: germline.
Comment: The p.K417I variant (also known as c.1250A>T), located in coding exon 10 of the CEP57 gene, results from an A to T substitution at nucleotide position 1250. The lysine at codon 417 is replaced by isoleucine, an amino acid with dissimilar properties. This amino acid position is conserved. In addition, the in silico prediction for this alteration is inconclusive. Based on the available evidence, the clinical significance of this variant remains unclear.